The following is an entry in ClinVar:

ClinVar aggregate classification (germline): Pathogenic (1 of 4 stars; one submission).

Submission:

Labcorp Genetics (formerly Invitae), Labcorp
Classification: Pathogenic. Last evaluated: 2021-08-15. Review status: criteria provided, single submitter. Criteria: Invitae Variant Classification Sherloc (09022015). Collection method: clinical testing. Allele origin: germline.
Comment: Algorithms developed to predict the effect of sequence changes on RNA splicing suggest that this variant may disrupt the consensus splice site. This sequence change affects an acceptor splice site in intron 5 of the TGM1 gene. It is expected to disrupt RNA splicing. Variants that disrupt the donor or acceptor splice site typically lead to a loss of protein function (PMID: 16199547), and loss-of-function variants in TGM1 are known to be pathogenic (PMID: 18948357, 19241467). This variant is not present in population databases (ExAC no frequency). Disruption of this splice site has been observed in individuals with congenital ichthyosiformis erythroderma (PMID: 15665393). For these reasons, this variant has been classified as Pathogenic.

Literature cited by the submitters: PubMed 16199547; PubMed 18948357; PubMed 19241467; PubMed 15665393.

NM_000359.3(TGM1):c.877-2A>C

Gene: TGM1 (transglutaminase 1; minus strand). Cytogenetic location: 14q12.
Variant type: single nucleotide variant.
Coding change: c.877-2A>C on transcript NM_000359.3 (MANE Select); the canonical splice acceptor site of the intron before coding-DNA position 877, A replaced by C.
Molecular consequence: splice acceptor variant.
Genome position (GRCh38, 1-based): chr14:24,259,813, T>G on the plus strand (A>C on the coding strand, the complement: TGM1 is on the minus strand). VCF-style: chr14-24259813-T-G. GRCh37 (hg19) VCF-style: chr14-24729019-T-G.
Identifiers: ClinVar variation 1456148 (VCV001456148.6), dbSNP rs142634031, ClinGen allele CA389269199.
Genomic context (GRCh38, chr14:24,259,813, plus strand): 5'-TATGGCATCCCCCGCCGGTCCAGGATGTATAAGCAGGCATCCAGCACCCCGTGGTCAAAC[T>G]GGAAGGAGGGATGGAGGGCAGAGGTGACAGCCTGAACCCTAGGCCAGCACCCTGCTCCAA-3'